The following is an entry in ClinVar:

NM_005732.4(RAD50):c.2337G>A (p.Met779Ile)

Gene: RAD50 (RAD50 double strand break repair protein; plus strand). Cytogenetic location: 5q31.1.
Variant type: single nucleotide variant.
Coding change: c.2337G>A on transcript NM_005732.4 (MANE Select); coding-DNA position 2337, G replaced by A.
Protein change: p.Met779Ile; replaces methionine 779 with isoleucine.
Molecular consequence: missense variant.
Genome position (GRCh38, 1-based): chr5:132,603,429, G>A. VCF-style: chr5-132603429-G-A. GRCh37 (hg19) VCF-style: chr5-131939121-G-A.
Other names: short protein forms M779I.
Identifiers: ClinVar variation 408343 (VCV000408343.13), dbSNP rs1032014108, ClinGen allele CA16611775.

ClinVar aggregate classification (germline): Conflicting classifications of pathogenicity. Review status: criteria provided, conflicting classifications (1 of 4 stars). 2 submissions from 2 submitters: Uncertain significance (1); Likely benign (1). Last evaluated 2025-11-11.

Conditions:
Hereditary cancer-predisposing syndrome. Also called: Hereditary Cancer Syndrome; Hereditary neoplastic syndrome; Neoplastic Syndromes, Hereditary; Tumor predisposition. Identifiers: Orphanet 140162, MedGen C0027672, MeSH D009386, MONDO:0015356.

Allele frequency attached by ClinVar (database versions not stated): gnomAD 0.00001; TOPMed 0.00001.
gnomAD v4.1: 2 of 1,613,844 alleles (0.00012%); highest among the groups gnomAD compares: Non-Finnish European, 0.00017%; no homozygotes.

Submissions (2):

Labcorp Genetics (formerly Invitae), Labcorp
Classification: Uncertain significance for Hereditary cancer-predisposing syndrome. Last evaluated: 2025-11-11. Review status: criteria provided, single submitter. Criteria: Invitae Variant Classification Sherloc (09022015). Collection method: clinical testing. Allele origin: germline.
Comment: This sequence change replaces methionine, which is neutral and non-polar, with isoleucine, which is neutral and non-polar, at codon 779 of the RAD50 protein (p.Met779Ile). This variant is not present in population databases (gnomAD no frequency). This variant has not been reported in the literature in individuals affected with RAD50-related conditions. ClinVar contains an entry for this variant (Variation ID: 408343). Invitae Evidence Modeling of protein sequence and biophysical properties (such as structural, functional, and spatial information, amino acid conservation, physicochemical variation, residue mobility, and thermodynamic stability) indicates that this missense variant is not expected to disrupt RAD50 protein function with a negative predictive value of 80%. In summary, the available evidence is currently insufficient to determine the role of this variant in disease. Therefore, it has been classified as a Variant of Uncertain Significance.

Ambry Genetics
Classification: Likely benign for Hereditary cancer-predisposing syndrome. Last evaluated: 2024-08-13. Review status: criteria provided, single submitter. Criteria: Ambry Variant Classification Scheme 2023. Collection method: clinical testing. Allele origin: germline.